The following is an entry in ClinVar:

ClinVar aggregate classification (germline): Uncertain significance (1 of 4 stars; one submission).

Submission:

Labcorp Genetics (formerly Invitae), Labcorp
Classification: Uncertain significance. Last evaluated: 2021-06-30. Review status: criteria provided, single submitter. Criteria: Invitae Variant Classification Sherloc (09022015). Collection method: clinical testing. Allele origin: germline.
Comment: In summary, the available evidence is currently insufficient to determine the role of this variant in disease. Therefore, it has been classified as a Variant of Uncertain Significance. Algorithms developed to predict the effect of missense changes on protein structure and function are either unavailable or do not agree on the potential impact of this missense change (SIFT: "Deleterious"; PolyPhen-2: "Not Available"; Align-GVGD: "Class C0"). This variant has not been reported in the literature in individuals affected with CLTC-related conditions. This variant is not present in population databases (ExAC no frequency). This sequence change replaces proline with threonine at codon 1450 of the CLTC protein (p.Pro1450Thr). The proline residue is highly conserved and there is a small physicochemical difference between proline and threonine.

NM_004859.4(CLTC):c.4336C>A (p.Pro1446Thr)

Genes: CLTC (clathrin heavy chain; plus strand), LOC126862609 (CDK7 strongly-dependent group 2 enhancer GRCh37_chr17:57760547-57761746; plus strand). Cytogenetic location: 17q23.1.
Variant type: single nucleotide variant.
Coding change: c.4336C>A on transcript NM_004859.4 (MANE Select); coding-DNA position 4336, C replaced by A.
Protein change: p.Pro1446Thr; replaces proline 1446 with threonine.
Molecular consequence: missense variant.
Genome position (GRCh38, 1-based): chr17:59,683,887, C>A. VCF-style: chr17-59683887-C-A. GRCh37 (hg19) VCF-style: chr17-57761248-C-A.
Other names: c.4348C>A, p.Pro1450Thr (NM_001288653.2); short protein forms P1446T, P1450T.
Identifiers: ClinVar variation 1364806 (VCV001364806.8), dbSNP rs2292341, ClinGen allele CA400421394.